The following is an entry in ClinVar:

ClinVar aggregate classification (germline): Uncertain significance (1 of 4 stars; one submission).

Submission:

Women's Health and Genetics/Laboratory Corporation of America, LabCorp
Classification: Uncertain significance. Last evaluated: 2026-02-04. Review status: criteria provided, single submitter. Criteria: LabCorp Variant Classification Summary - May 2015. Collection method: clinical testing. Allele origin: germline.
Comment: Variant summary: BRPF1 c.2602G>C (p.Ala868Pro) results in a non-conservative amino acid change in the encoded protein sequence. Algorithms developed to predict the effect of missense changes on protein structure and function are either unavailable or do not agree on the potential impact of this missense change. The variant was absent in 235816 control chromosomes. The available data on variant occurrences in the general population are insufficient to allow any conclusion about variant significance. To our knowledge, no occurrence of c.2602G>C in individuals affected with BRPF1-related conditions and no experimental evidence demonstrating its impact on protein function have been reported. No submitters have cited clinical-significance assessments for this variant to ClinVar. Based on the evidence outlined above, the variant was classified as uncertain significance.

NM_001003694.2(BRPF1):c.2602G>C (p.Ala868Pro)

Gene: BRPF1 (bromodomain and PHD finger containing 1; plus strand). Cytogenetic location: 3p25.3.
Variant type: single nucleotide variant.
Coding change: c.2602G>C on transcript NM_001003694.2 (MANE Select); coding-DNA position 2602, G replaced by C.
Protein change: p.Ala868Pro; replaces alanine 868 with proline.
Molecular consequence: missense variant. On other transcripts: non-coding transcript variant (1).
Genome position (GRCh38, 1-based): chr3:9,743,868, G>C. VCF-style: chr3-9743868-G-C. GRCh37 (hg19) VCF-style: chr3-9785552-G-C.
Other names: c.2584G>C, p.Ala862Pro (NM_001319049.2, NM_001437892.1, NM_004634.3); c.2581G>C, p.Ala861Pro (NM_001319050.2, NM_001438342.1, NM_001438343.1 and 1 more transcripts); c.2599G>C, p.Ala867Pro (NM_001410704.1, NM_001438345.1); c.2602G>C, p.Ala868Pro (NM_001438344.1); short protein forms A861P, A862P, A867P, A868P.
Identifiers: ClinVar variation 4848046 (VCV004848046.1).